The following is an entry in ClinVar:

NM_138713.4(NFAT5):c.3085A>C (p.Met1029Leu)

Gene: NFAT5 (nuclear factor of activated T cells 5; plus strand). Cytogenetic location: 16q22.1.
Variant type: single nucleotide variant.
Coding change: c.3085A>C on transcript NM_138713.4 (MANE Select); coding-DNA position 3085, A replaced by C.
Protein change: p.Met1029Leu; replaces methionine 1029 with leucine.
Molecular consequence: missense variant.
Genome position (GRCh38, 1-based): chr16:69,692,910, A>C. VCF-style: chr16-69692910-A-C. GRCh37 (hg19) VCF-style: chr16-69726813-A-C.
Other names: c.3082A>C, p.Met1028Leu (NM_001113178.3); c.2410A>C, p.Met804Leu (NM_001367709.1); c.3031A>C, p.Met1011Leu (NM_006599.4); c.2803A>C, p.Met935Leu (NM_138714.4, NM_173214.3, NM_173215.3); short protein forms M1028L, M804L, M935L, M1011L, M1029L.
Identifiers: ClinVar variation 1466517 (VCV001466517.8), dbSNP rs755846884, ClinGen allele CA8135846.

ClinVar aggregate classification (germline): Uncertain significance (1 of 4 stars; one submission).

Conditions:
Immunodeficiency. Identifiers: MedGen C0021051, MONDO:0021094, HP:0002721.

Allele frequency attached by ClinVar (database versions not stated): gnomAD exomes below 0.00001; ExAC 0.00001.

Submission:

Labcorp Genetics (formerly Invitae), Labcorp
Classification: Uncertain significance for Immunodeficiency. Last evaluated: 2021-06-14. Review status: criteria provided, single submitter. Criteria: Invitae Variant Classification Sherloc (09022015). Collection method: clinical testing. Allele origin: germline.
Comment: This sequence change replaces methionine with leucine at codon 935 of the NFAT5 protein (p.Met935Leu). The methionine residue is highly conserved and there is a small physicochemical difference between methionine and leucine. This variant is present in population databases (rs755846884, ExAC 0.001%). This variant has not been reported in the literature in individuals with NFAT5-related conditions. Algorithms developed to predict the effect of missense changes on protein structure and function are either unavailable or do not agree on the potential impact of this missense change (SIFT: "Tolerated"; PolyPhen-2: "Possibly Damaging"; Align-GVGD: "Class C0"). In summary, the available evidence is currently insufficient to determine the role of this variant in disease. Therefore, it has been classified as a Variant of Uncertain Significance.